The following is an entry in ClinVar:

ClinVar aggregate classification (germline): Uncertain significance (1 of 4 stars; one submission).

Conditions:
Primary ciliary dyskinesia 32. Also called: CILIARY DYSKINESIA, PRIMARY, 32, WITHOUT SITUS INVERSUS. Identifiers: Orphanet 244, MedGen C4225311, MONDO:0014657, OMIM 616481.

Submission:

Labcorp Genetics (formerly Invitae), Labcorp
Classification: Uncertain significance for Primary ciliary dyskinesia 32. Last evaluated: 2022-02-13. Review status: criteria provided, single submitter. Criteria: Invitae Variant Classification Sherloc (09022015). Collection method: clinical testing. Allele origin: germline.
Comment: This sequence change replaces glycine, which is neutral and non-polar, with arginine, which is basic and polar, at codon 28 of the RSPH3 protein (p.Gly28Arg). This variant is not present in population databases (gnomAD no frequency). This variant has not been reported in the literature in individuals affected with RSPH3-related conditions. Algorithms developed to predict the effect of missense changes on protein structure and function output the following: SIFT: "Tolerated"; PolyPhen-2: "Benign"; Align-GVGD: "Class C0". The arginine amino acid residue is found in multiple mammalian species, which suggests that this missense change does not adversely affect protein function. Algorithms developed to predict the effect of sequence changes on RNA splicing suggest that this variant may create or strengthen a splice site. In summary, the available evidence is currently insufficient to determine the role of this variant in disease. Therefore, it has been classified as a Variant of Uncertain Significance.

NM_031924.8(RSPH3):c.-345G>A

Genes: RSPH3 (radial spoke head 3; minus strand), TAGAP-AS1 (TAGAP antisense RNA 1; plus strand). Cytogenetic location: 6q25.3.
Variant type: single nucleotide variant.
Coding change: c.-345G>A on transcript NM_031924.8 (MANE Select); 345 bases upstream of the start codon, G replaced by A.
Molecular consequence: 5 prime UTR variant. On other transcripts: missense variant (1), non-coding transcript variant (1).
Genome position (GRCh38, 1-based): chr6:158,999,895, C>T on the plus strand (G>A on the coding strand, the complement: RSPH3 is on the minus strand). VCF-style: chr6-158999895-C-T. GRCh37 (hg19) VCF-style: chr6-159420927-C-T.
Other names: c.82G>A, p.Gly28Arg (NM_001346418.1); short protein forms G28R.
Identifiers: ClinVar variation 1935720 (VCV001935720.5), dbSNP rs1778804658, ClinGen allele CA366285896.